The following is an entry in ClinVar:

ClinVar aggregate classification (germline): Likely benign (1 of 4 stars; one submission).

gnomAD v4.1: 603 of 1,602,762 alleles (0.038%); highest among the groups gnomAD compares: Middle Eastern, 0.09%; 1 homozygote.

Submission:

CeGaT Center for Human Genetics Tuebingen
Classification: Likely benign. Last evaluated: 2025-10-01. Review status: criteria provided, single submitter. Criteria: CeGaT Center For Human Genetics Tuebingen Variant Classification Criteria Version 2. Collection method: clinical testing. Allele origin: germline. Affected: yes. Observed: 1 variant allele.
Comment: PCDHB10: BP4, BP7

NM_018930.4(PCDHB10):c.1866G>C (p.Gly622=)

Genes: PCDHB10 (protocadherin beta 10; plus strand), PCDHB@ (protocadherin beta cluster; plus strand). Cytogenetic location: 5q31.3.
Variant type: single nucleotide variant.
Coding change: c.1866G>C on transcript NM_018930.4 (MANE Select); coding-DNA position 1866, G replaced by C.
Protein change: p.Gly622=; no amino-acid change (glycine 622 retained).
Molecular consequence: synonymous variant.
Genome position (GRCh38, 1-based): chr5:141,194,418, G>C. VCF-style: chr5-141194418-G-C. GRCh37 (hg19) VCF-style: chr5-140573991-G-C.
Identifiers: ClinVar variation 4533772 (VCV004533772.6).